The following is an entry in ClinVar:

ClinVar aggregate classification (germline): Benign/Likely benign. Review status: criteria provided, multiple submitters, no conflicts (2 of 4 stars). 6 submissions from 6 submitters: Benign (2); Likely benign (4). Last evaluated 2024-10-18.

Conditions:
Cardiomyopathy (CMYO). Also called: Cardiomyopathies. Identifiers: Orphanet 167848, MedGen C0878544, MONDO:0004994, HP:0001638. Inheritance: Various modes of inheritance.
Cardiovascular phenotype. Identifiers: MedGen CN230736.
Hypertrophic cardiomyopathy. Also called: HYPERTROPHIC MYOCARDIOPATHY. Identifiers: Orphanet 217569, MedGen C0007194, MeSH D002312, MONDO:0005045, HP:0001639.

Allele frequency attached by ClinVar (database versions not stated): gnomAD 0.00001; gnomAD exomes 0.00004; ExAC 0.00003; TOPMed below 0.00001.
gnomAD v4.1: 14 of 1,613,586 alleles (0.00087%); highest among the groups gnomAD compares: East Asian, 0.031%; no homozygotes.

Submissions (6):

Labcorp Genetics (formerly Invitae), Labcorp
Classification: Likely benign for Hypertrophic cardiomyopathy. Last evaluated: 2024-10-18. Review status: criteria provided, single submitter. Criteria: Invitae Variant Classification Sherloc (09022015). Collection method: clinical testing. Allele origin: germline.

All of Us Research Program, National Institutes of Health
Classification: Benign for Hypertrophic cardiomyopathy. Last evaluated: 2023-12-18. Review status: criteria provided, single submitter. Criteria: ACMG Guidelines, 2015. Collection method: clinical testing. Allele origin: germline. Inheritance: Autosomal dominant inheritance. Observed: 1 variant allele, 1 heterozygote.
Comment: This study involves interpretation of variants in research participants for the purpose of population health screening. Participant phenotype was not available at the time of variant classification. Additional details can be found in publication PMID: 35346344, PMCID: PMC8962531

Color Diagnostics, LLC DBA Color Health
Classification: Benign for Cardiomyopathy. Last evaluated: 2022-05-06. Review status: criteria provided, single submitter. Criteria: ACMG Guidelines, 2015. Collection method: clinical testing. Allele origin: germline.

Ambry Genetics
Classification: Likely benign for Cardiovascular phenotype. Last evaluated: 2021-12-28. Review status: criteria provided, single submitter. Criteria: Ambry Variant Classification Scheme 2023. Collection method: clinical testing. Allele origin: germline.

CHEO Genetics Diagnostic Laboratory, Children's Hospital of Eastern Ontario
Classification: Likely benign for Cardiomyopathy. Last evaluated: 2021-06-11. Review status: criteria provided, single submitter. Criteria: ACMG Guidelines, 2015. Collection method: clinical testing. Allele origin: germline.

GeneDx
Classification: Likely benign. Last evaluated: 2016-07-25. Review status: criteria provided, single submitter. Criteria: GeneDx Variant Classification (06012015). Collection method: clinical testing. Allele origin: germline. Affected: yes.
Comment: This variant is considered likely benign or benign based on one or more of the following criteria: it is a conservative change, it occurs at a poorly conserved position in the protein, it is predicted to be benign by multiple in silico algorithms, and/or has population frequency not consistent with disease.

NC_000011.10:g.47342749C>T

Gene: MYBPC3 (myosin binding protein C3; minus strand). Cytogenetic location: 11p11.2.
Variant type: single nucleotide variant.
Genome position: GRCh38 VCF-style: chr11-47342749-C-T. GRCh37 (hg19) VCF-style: chr11-47364300-C-T.
Other names: c.1458-5G>A (LRG_386t1, NM_000256.3).
Identifiers: ClinVar variation 378940 (VCV000378940.16), dbSNP rs746542705, ClinGen allele CA078120.